The following is an entry in ClinVar:

ClinVar aggregate classification (germline): Benign/Likely benign. Review status: criteria provided, multiple submitters, no conflicts (2 of 4 stars). 13 submissions from 11 submitters: Benign (10); Likely benign (1). 2 of the submissions do not count toward it. Last evaluated 2026-02-04.

Conditions:
Hereditary hyperinsulinism.
Diabetes mellitus, permanent neonatal 3. Also called: ABCC8-Related Permanent Neonatal Diabetes Mellitus. Identifiers: MedGen C5394303, MONDO:0030088, OMIM 618857.
Type 2 diabetes mellitus. Also called: Type II diabetes mellitus. Identifiers: MedGen C0011860, MeSH D003924, MONDO:0005148, OMIM 125853, HP:0005978.
Leucine-induced hypoglycemia (LIH). Also called: LEUCINE-SENSITIVE HYPOGLYCEMIA OF INFANCY. Identifiers: MedGen C0271714, MONDO:0009415, OMIM 240800.
Hyperinsulinemic hypoglycemia, familial, 1 (HHF1). Also called: Persistent hyperinsulinemic hypoglycemia of infancy; NESIDIOBLASTOSIS OF PANCREAS; Persistent Hyperinsulinemia Hypoglycemia of Infancy; HYPERINSULINISM, FAMILIAL, WITH PANCREATIC NESIDIOBLASTOSIS; HYPOGLYCEMIA, HYPERINSULINEMIC, OF INFANCY. Identifiers: Orphanet 276575, Orphanet 276598, MedGen C2931832, MONDO:0009734, OMIM 256450.
Diabetes mellitus, transient neonatal, 2 (TNDM2). Identifiers: Orphanet 99886, MedGen C1835887, MONDO:0012480, OMIM 610374. Disease mechanism: loss of function.
Inborn genetic diseases. Identifiers: MedGen C0950123, MeSH D030342.
Permanent neonatal diabetes mellitus (PNDM). Identifiers: Orphanet 99885, MedGen C1833104, MONDO:0100164, MONDO:0011643. Disease mechanism: gain of function.

Allele frequency attached by ClinVar (database versions not stated): gnomAD exomes 0.04305 and 0.04477; ExAC 0.04805; gnomAD 0.06595 and 0.06691; TOPMed 0.06667; 1000 Genomes Project 0.06669; ESP Exome Variant Server 0.06884; 1000 Genomes Project 30x 0.07167.
gnomAD v4.1: 73,054 of 1,614,062 alleles (4.5%); highest among the groups gnomAD compares: African/African-American, 13%; 2,107 homozygotes.

Submissions (13):

Labcorp Genetics (formerly Invitae), Labcorp
Classification: Benign. Last evaluated: 2026-02-04. Review status: criteria provided, single submitter. Criteria: Invitae Variant Classification Sherloc (09022015). Collection method: clinical testing. Allele origin: germline.

Blueprint Genetics
Classification: Benign. Last evaluated: 2024-11-27. Review status: criteria provided, single submitter. Criteria: ACMG Guidelines, 2015. Collection method: clinical testing. Allele origin: germline.

Ambry Genetics
Classification: Likely benign for Inborn genetic diseases. Last evaluated: 2022-05-24. Review status: criteria provided, single submitter. Criteria: Ambry Variant Classification Scheme 2023. Collection method: clinical testing. Allele origin: germline.

Fulgent Genetics
Classification: Benign for Type 2 diabetes mellitus; Leucine-induced hypoglycemia; Hyperinsulinemic hypoglycemia, familial, 1; Diabetes mellitus, transient neonatal, 2; Diabetes mellitus, permanent neonatal 3. Last evaluated: 2022-04-27. Review status: criteria provided, single submitter. Criteria: ACMG Guidelines, 2015. Collection method: clinical testing. Allele origin: unknown.

GeneDx
Classification: Benign. Last evaluated: 2018-09-04. Review status: criteria provided, single submitter. Criteria: GeneDx Variant Classification Process June 2021. Collection method: clinical testing. Allele origin: germline. Affected: yes.

Illumina Laboratory Services, Illumina
Classification: Benign for Hyperinsulinemic hypoglycemia, familial, 1. Last evaluated: 2018-01-12. Review status: criteria provided, single submitter. Criteria: ICSL Variant Classification Criteria 13 December 2019. Collection method: clinical testing. Allele origin: germline.
Comment: This variant was observed in the ICSL laboratory as part of a predisposition screen in an ostensibly healthy population. It had not been previously curated by ICSL or reported in the Human Gene Mutation Database (HGMD: prior to June 1st, 2018), and was therefore a candidate for classification through an automated scoring system. Utilizing variant allele frequency, disease prevalence and penetrance estimates, and inheritance mode, an automated score was calculated to assess if this variant is too frequent to cause the disease. Based on the score and internal cut-off values, a variant classified as benign is not then subjected to further curation. The score for this variant resulted in a classification of benign for this disease.

Illumina Laboratory Services, Illumina
Classification: Benign for Diabetes mellitus, transient neonatal, 2. Last evaluated: 2018-01-12. Review status: criteria provided, single submitter. Criteria: ICSL Variant Classification Criteria 13 December 2019. Collection method: clinical testing. Allele origin: germline.
Comment: the same text as in the submission from Illumina Laboratory Services, Illumina above.

Illumina Laboratory Services, Illumina
Classification: Benign for Permanent neonatal diabetes mellitus 1. Last evaluated: 2018-01-12. Review status: criteria provided, single submitter. Criteria: ICSL Variant Classification Criteria 13 December 2019. Collection method: clinical testing. Allele origin: germline.
Comment: the same text as in the submission from Illumina Laboratory Services, Illumina above.

Breakthrough Genomics
Classification: Benign. Review status: criteria provided, single submitter. Criteria: ACMG Guidelines, 2015. Collection method: not provided. Allele origin: germline. Inheritance: Autosomal recessive inheritance. Affected: yes.

Clinical Genomics, Uppaluri K&H Personalized Medicine Clinic
Classification: Benign for Type 2 diabetes mellitus. Review status: criteria provided, single submitter. Criteria: K&H Uppaluri Personalized Medicine Clinic Variant Classification & Assertion Criteria. Collection method: research. Allele origin: somatic. Affected: yes.
Comment: Mutations in ABCC8 gene are generally associated with both neonatal diabetes mellitus as well as MODY. rs8192695 in particular, is associated with cardiovascular events in T2DM patients. Patients with this mutation may also respond to sulfonylureas.

PreventionGenetics, part of Exact Sciences
Classification: Benign. Review status: criteria provided, single submitter. Criteria: ACMG Guidelines, 2015. Collection method: clinical testing. Allele origin: germline.

Natera, Inc.
Classification: Benign for Hereditary hyperinsulinism. Last evaluated: 2019-11-22. Review status: no assertion criteria provided. Collection method: clinical testing. Allele origin: germline. Not counted in ClinVar's aggregate classification.

Genetic Services Laboratory, University of Chicago
Classification: Likely benign. Review status: no assertion criteria provided. Collection method: clinical testing. Allele origin: germline. Inheritance: Autosomal unknown. Not counted in ClinVar's aggregate classification.
Comment: Likely benign based on allele frequency in 1000 Genomes Project or ESP global frequency and its presence in a patient with a rare or unrelated disease phenotype. NOT Sanger confirmed

Literature cited by the submitters: PubMed 34309670 (cited by Clinical Genomics, Uppaluri K&H Personalized Medicine Clinic); PubMed 35402560 (cited by Clinical Genomics, Uppaluri K&H Personalized Medicine Clinic).

NM_000352.6(ABCC8):c.330C>T (p.Ala110=)

Gene: ABCC8 (ATP binding cassette subfamily C member 8; minus strand). Cytogenetic location: 11p15.1.
Variant type: single nucleotide variant.
Coding change: c.330C>T on transcript NM_000352.6 (MANE Select); coding-DNA position 330, C replaced by T.
Protein change: p.Ala110=; no amino-acid change (alanine 110 retained).
Molecular consequence: synonymous variant. On other transcripts: non-coding transcript variant (1).
Genome position (GRCh38, 1-based): chr11:17,470,183, G>A on the plus strand (C>T on the coding strand, the complement: ABCC8 is on the minus strand). VCF-style: chr11-17470183-G-A. GRCh37 (hg19) VCF-style: chr11-17491730-G-A.
Other names: c.330C>T, p.Ala110= (NM_001287174.3, NM_001351295.2, NM_001351296.2 and 1 more transcripts).
Identifiers: ClinVar variation 157695 (VCV000157695.29), dbSNP rs8192695, ClinGen allele CA171067.